The following is an entry in ClinVar:

NM_001130009.3(GEN1):c.1798G>T (p.Ala600Ser)

Gene: GEN1 (GEN1 structure-specific endonuclease; plus strand). Cytogenetic location: 2p24.2.
Variant type: single nucleotide variant.
Coding change: c.1798G>T on transcript NM_001130009.3 (MANE Select); coding-DNA position 1798, G replaced by T.
Protein change: p.Ala600Ser; replaces alanine 600 with serine.
Molecular consequence: missense variant.
Genome position (GRCh38, 1-based): chr2:17,781,010, G>T. VCF-style: chr2-17781010-G-T. GRCh37 (hg19) VCF-style: chr2-17962277-G-T.
Other names: c.1798G>T, p.Ala600Ser (NM_182625.5); c.1798G>T (NM_001130009.1); short protein forms A600S.
Identifiers: ClinVar variation 966311 (VCV000966311.10), dbSNP rs200602120, ClinGen allele CA345926647.

ClinVar aggregate classification (germline): Uncertain significance. Review status: criteria provided, multiple submitters, no conflicts (2 of 4 stars). 2 submissions from 2 submitters: Uncertain significance (2). Last evaluated 2026-01-22.

gnomAD v4.1: 1 of 1,613,740 alleles (0.000062%); highest among the groups gnomAD compares: South Asian, 0.0011%; no homozygotes.

Submissions (2):

Ambry Genetics
Classification: Uncertain significance. Last evaluated: 2026-01-22. Review status: criteria provided, single submitter. Criteria: Ambry Variant Classification Scheme 2023. Collection method: clinical testing. Allele origin: germline.
Comment: The p.A600S variant (also known as c.1798G>T), located in coding exon 13 of the GEN1 gene, results from a G to T substitution at nucleotide position 1798. The alanine at codon 600 is replaced by serine, an amino acid with similar properties. This amino acid position is conserved. In addition, this alteration is predicted to be tolerated by in silico analysis. Based on the available evidence, the clinical significance of this variant remains unclear.

Labcorp Genetics (formerly Invitae), Labcorp
Classification: Uncertain significance. Last evaluated: 2019-10-15. Review status: criteria provided, single submitter. Criteria: Invitae Variant Classification Sherloc (09022015). Collection method: clinical testing. Allele origin: germline.
Comment: This sequence change replaces alanine with serine at codon 600 of the GEN1 protein (p.Ala600Ser). The alanine residue is moderately conserved and there is a moderate physicochemical difference between alanine and serine. This variant is not present in population databases (ExAC no frequency). This variant has not been reported in the literature in individuals with GEN1-related conditions. Algorithms developed to predict the effect of missense changes on protein structure and function (SIFT, PolyPhen-2, Align-GVGD) all suggest that this variant is likely to be tolerated, but these predictions have not been confirmed by published functional studies and their clinical significance is uncertain. In summary, the available evidence is currently insufficient to determine the role of this variant in disease. Therefore, it has been classified as a Variant of Uncertain Significance.